The following is an entry in ClinVar:

ClinVar aggregate classification (germline): Uncertain significance (1 of 4 stars; one submission).

Submission:

Labcorp Genetics (formerly Invitae), Labcorp
Classification: Uncertain significance. Last evaluated: 2025-05-12. Review status: criteria provided, single submitter. Criteria: Invitae Variant Classification Sherloc (09022015). Collection method: clinical testing. Allele origin: germline.
Comment: This sequence change replaces alanine, which is neutral and non-polar, with valine, which is neutral and non-polar, at codon 1258 of the ARID1B protein (p.Ala1258Val). This variant is not present in population databases (gnomAD no frequency). This variant has not been reported in the literature in individuals affected with ARID1B-related conditions. Invitae Evidence Modeling of protein sequence and biophysical properties (such as structural, functional, and spatial information, amino acid conservation, physicochemical variation, residue mobility, and thermodynamic stability) indicates that this missense variant is not expected to disrupt ARID1B protein function with a negative predictive value of 95%. In summary, the available evidence is currently insufficient to determine the role of this variant in disease. Therefore, it has been classified as a Variant of Uncertain Significance.

NM_001374828.1(ARID1B):c.4142C>T (p.Ala1381Val)

Gene: ARID1B (AT-rich interaction domain 1B; plus strand). Cytogenetic location: 6q25.3.
Variant type: single nucleotide variant.
Coding change: c.4142C>T on transcript NM_001374828.1 (MANE Select); coding-DNA position 4142, C replaced by T.
Protein change: p.Ala1381Val; replaces alanine 1381 with valine.
Molecular consequence: missense variant.
Genome position (GRCh38, 1-based): chr6:157,190,121, C>T. VCF-style: chr6-157190121-C-T. GRCh37 (hg19) VCF-style: chr6-157511255-C-T.
Other names: c.1643C>T, p.Ala548Val (NM_001363725.2); c.4022C>T, p.Ala1341Val (NM_001371656.1, NM_001374820.1); c.4271C>T, p.Ala1424Val (NM_001438482.1); c.4184C>T, p.Ala1395Val (NM_001438483.1); c.4052C>T, p.Ala1351Val (NM_001438485.1); c.4025C>T, p.Ala1342Val (NM_001438486.1); c.3962C>T, p.Ala1321Val (NM_001438487.1); c.1484C>T, p.Ala495Val (NM_001438488.1); and 1 more; short protein forms A1321V, A1328V, A1341V, A1342V, A1351V, A1381V, A1395V, A1424V.
Identifiers: ClinVar variation 4807454 (VCV004807454.1).